The following is an entry in ClinVar:

NM_003482.4(KMT2D):c.11856_11876dup (p.Gln3961_Gln3962insLeuGlnGlnGlnGlnGlnGln)

Gene: KMT2D (lysine methyltransferase 2D; minus strand). Cytogenetic location: 12q13.12.
Variant type: Duplication.
Coding change: c.11856_11876dup on transcript NM_003482.4 (MANE Select); coding-DNA positions 11856 to 11876, 21 bases duplicated (ACAGCAGCTACAACAGCAACA).
Protein change: p.Gln3961_Gln3962insLeuGlnGlnGlnGlnGlnGln.
Genome position (GRCh38, 1-based): chr12:49,032,829-49,032,849, TGTTGCTGTTGTAGCTGCTGT duplicated on the plus strand (ACAGCAGCTACAACAGCAACA on the coding strand, the reverse complement: KMT2D is on the minus strand); duplicating any 21 consecutive bases within chr12:49,032,829-49,032,851 gives the same sequence; the c. name uses the placement nearest the transcript's 3' end. VCF-style (leftmost placement, unchanged base first): chr12-49032828-C-CTGTTGCTGTTGTAGCTGCTGT. GRCh37 (hg19) VCF-style: chr12-49426611-C-CTGTTGCTGTTGTAGCTGCTGT.
Identifiers: ClinVar variation 3574693 (VCV003574693.4).
Genomic context (GRCh38, chr12:49,032,828, plus strand): 5'-GTTTAAAAGGCCCATCTGCTGCTGTTGCTGCTGCTGTTGAAACTGCTGCTGTTGTTGTTG[C>CTGTTGCTGTTGTAGCTGCTGT]TGTTGCTGTTGTAGCTGCTGTTGCTGCTGTTGAAGCTGTTGCTGCTGCTGTTGTTGAAGC-3'

ClinVar aggregate classification (germline): Conflicting classifications of pathogenicity. Review status: criteria provided, conflicting classifications (1 of 4 stars). 3 submissions from 3 submitters: Uncertain significance (2); Likely benign (1). Last evaluated 2024-05-13.

Conditions:
Kabuki syndrome 1 (KABUK1). Also called: KMT2D-Related Kabuki Syndrome. Identifiers: Orphanet 2322, MedGen CN030661, MONDO:0007843, OMIM 147920.
Choanal atresia-athelia-hypothyroidism-delayed puberty-short stature syndrome (BCAHH). Also called: BRANCHIAL ARCH ABNORMALITIES, CHOANAL ATRESIA, ATHELIA, HEARING LOSS, AND HYPOTHYROIDISM SYNDROME. Identifiers: Orphanet 589856, MedGen C5680310, MONDO:0035651, OMIM 620186.
Kabuki syndrome. Also called: NIIKAWA-KUROKI SYNDROME; Kabuki make-up syndrome. Identifiers: Orphanet 2322, MedGen C0796004, MONDO:0016512.

Submissions (3):

Labcorp Genetics (formerly Invitae), Labcorp
Classification: Uncertain significance for Kabuki syndrome. Last evaluated: 2024-05-13. Review status: criteria provided, single submitter. Criteria: Invitae Variant Classification Sherloc (09022015). Collection method: clinical testing. Allele origin: germline.
Comment: This variant, c.11856_11876dup, results in the insertion of 7 amino acid(s) of the KMT2D protein (p.Leu3955_Gln3961dup), but otherwise preserves the integrity of the reading frame. The frequency data for this variant in the population databases is considered unreliable, as metrics indicate poor data quality at this position in the gnomAD database. This variant has not been reported in the literature in individuals affected with KMT2D-related conditions. Experimental studies and prediction algorithms are not available or were not evaluated, and the functional significance of this variant is currently unknown. In summary, the available evidence is currently insufficient to determine the role of this variant in disease. Therefore, it has been classified as a Variant of Uncertain Significance.

Fulgent Genetics
Classification: Uncertain significance for Kabuki syndrome 1; Choanal atresia-athelia-hypothyroidism-delayed puberty-short stature syndrome. Last evaluated: 2024-03-07. Review status: criteria provided, single submitter. Criteria: ACMG Guidelines, 2015. Collection method: clinical testing. Allele origin: germline.

Blueprint Genetics
Classification: Likely benign. Last evaluated: 2023-04-14. Review status: criteria provided, single submitter. Criteria: ACMG Guidelines, 2015. Collection method: clinical testing. Allele origin: germline.